The following is an entry in ClinVar:

Conditions:
Breast-ovarian cancer, familial, susceptibility to, 1 (BROVCA1). Also called: BRCA1 Hereditary Breast and Ovarian Cancer; OVARIAN CANCER, SUSCEPTIBILITY TO. Identifiers: Orphanet 145, MedGen C2676676, MONDO:0011450, OMIM 604370. Disease mechanism: loss of function.

Submission:

Brotman Baty Institute, University of Washington
No classification provided (evidence only). Condition: Breast-ovarian cancer, familial 1. Review status: no classification provided. Collection method: in vitro. Allele origin: not applicable. Functional consequence: functionally_normal.
ClinVar note: "not provided" was previously submitted as the classification for the variant. However, the classification appeared to be based only on an observation of functional data so it was converted to no classification on 2025-07-30.

NM_007294.4(BRCA1):c.5507A>C (p.Glu1836Ala)

Gene: BRCA1 (BRCA1 DNA repair associated; minus strand). Cytogenetic location: 17q21.31.
Variant type: single nucleotide variant.
Coding change: c.5507A>C on transcript NM_007294.4 (MANE Select); coding-DNA position 5507, A replaced by C.
Protein change: p.Glu1836Ala; replaces glutamic acid 1836 with alanine.
Molecular consequence: missense variant. On other transcripts: 3 prime UTR variant (1), non-coding transcript variant (1).
Genome position (GRCh38, 1-based): chr17:43,045,763, T>G on the plus strand (A>C on the coding strand, the complement: BRCA1 is on the minus strand). VCF-style: chr17-43045763-T-G. GRCh37 (hg19) VCF-style: chr17-41197780-T-G.
Other names: c.5381A>C, p.Glu1794Ala (NM_001407672.1, NM_001407673.1, NM_001407674.1 and 8 more transcripts); c.5378A>C, p.Glu1793Ala (NM_001407681.1, NM_001407682.1, NM_001407683.1 and 6 more transcripts); c.2264A>C, p.Glu755Ala (NM_001407970.1, NM_001407971.1); c.2261A>C, p.Glu754Ala (NM_001407972.1); c.2198A>C, p.Glu733Ala (NM_001407973.1, NM_001407974.1, NM_001407975.1 and 3 more transcripts); c.2195A>C, p.Glu732Ala (NM_001407979.1, NM_001407992.1, NM_001407993.1 and 11 more transcripts); c.2072A>C, p.Glu691Ala (NM_001408433.1, NM_001408434.1, NM_001408435.1 and 10 more transcripts); c.5504A>C, p.Glu1835Ala (NM_001407612.1, NM_001407613.1, NM_001407614.1 and 14 more transcripts); and 74 more; short protein forms E732A, E1789A, E1836A, E1857A, E1707A, E1747A, E1748A, E1765A.
Identifiers: ClinVar variation 867611 (VCV000867611.3), dbSNP rs2050878133, ClinGen allele CA10590302.